The following is an entry in ClinVar:

NM_022489.4(INF2):c.2571C>T (p.Ser857=)

Gene: INF2 (inverted formin 2; plus strand). Cytogenetic location: 14q32.33.
Variant type: single nucleotide variant.
Coding change: c.2571C>T on transcript NM_022489.4 (MANE Select); coding-DNA position 2571, C replaced by T.
Protein change: p.Ser857=; no amino-acid change (serine 857 retained).
Molecular consequence: synonymous variant.
Genome position (GRCh38, 1-based): chr14:104,712,514, C>T. VCF-style: chr14-104712514-C-T. GRCh37 (hg19) VCF-style: chr14-105178851-C-T.
Other names: p.Ser857=; c.2571C>T, p.Ser857= (NM_001031714.4).
Identifiers: ClinVar variation 261609 (VCV000261609.23), dbSNP rs62640005, ClinGen allele CA7372981.

ClinVar aggregate classification (germline): Benign. Review status: criteria provided, multiple submitters, no conflicts (2 of 4 stars). 10 submissions from 10 submitters: Benign (10). Last evaluated 2026-02-02.

Conditions:
Focal segmental glomerulosclerosis 5 (FSGS5). Identifiers: Orphanet 656, MedGen C2750475, MONDO:0013191, OMIM 613237.
Focal segmental glomerulosclerosis (FSGS). Also called: Glomerulosclerosis, focal; Focal sclerosis with hyalinosis. Identifiers: MedGen C0017668, MONDO:0100313, HP:0000097. Disease mechanism: loss of function.
Charcot-Marie-Tooth disease dominant intermediate E. Also called: CHARCOT-MARIE-TOOTH NEUROPATHY WITH FOCAL SEGMENTAL GLOMERULONEPHRITIS. Identifiers: Orphanet 93114, MedGen C4302667, MONDO:0013758, OMIM 614455.

Allele frequency attached by ClinVar (database versions not stated): gnomAD 0.01396; ESP Exome Variant Server 0.01470; TOPMed 0.01622; 1000 Genomes Project 0.01777; 1000 Genomes Project 30x 0.01796.
gnomAD v4.1: 4,596 of 1,612,630 alleles (0.29%); highest among the groups gnomAD compares: African/African-American, 5.1%; 125 homozygotes.

Submissions (10):

Labcorp Genetics (formerly Invitae), Labcorp
Classification: Benign for Charcot-Marie-Tooth disease dominant intermediate E; Focal segmental glomerulosclerosis 5. Last evaluated: 2026-02-02. Review status: criteria provided, single submitter. Criteria: Invitae Variant Classification Sherloc (09022015). Collection method: clinical testing. Allele origin: germline.

ARUP Laboratories, Molecular Genetics and Genomics, ARUP Laboratories
Classification: Benign. Last evaluated: 2025-05-22. Review status: criteria provided, single submitter. Criteria: ARUP Molecular Germline Variant Investigation Process 2024. Collection method: clinical testing. Allele origin: germline.

Blueprint Genetics
Classification: Benign. Last evaluated: 2024-11-26. Review status: criteria provided, single submitter. Criteria: ACMG Guidelines, 2015. Collection method: clinical testing. Allele origin: germline.

Mayo Clinic Laboratories, Mayo Clinic
Classification: Benign. Last evaluated: 2024-06-14. Review status: criteria provided, single submitter. Criteria: ACMG Guidelines, 2015. Collection method: clinical testing. Allele origin: germline. Observed: 32 variant alleles.
Comment: BA1, BP4, BP7

Athena Diagnostics
Classification: Benign. Last evaluated: 2019-10-10. Review status: criteria provided, single submitter. Criteria: Athena Diagnostics Criteria. Collection method: clinical testing. Allele origin: unknown.

Genome Diagnostics Laboratory, The Hospital for Sick Children
Classification: Benign for Focal segmental glomerulosclerosis. Last evaluated: 2018-10-01. Review status: criteria provided, single submitter. Criteria: ACMG Guidelines, 2015. Collection method: clinical testing. Allele origin: germline.

Illumina Laboratory Services, Illumina
Classification: Benign for Focal segmental glomerulosclerosis 5. Last evaluated: 2018-01-13. Review status: criteria provided, single submitter. Criteria: ICSL Variant Classification Criteria 13 December 2019. Collection method: clinical testing. Allele origin: germline.
Comment: This variant was observed in the ICSL laboratory as part of a predisposition screen in an ostensibly healthy population. It had not been previously curated by ICSL or reported in the Human Gene Mutation Database (HGMD: prior to June 1st, 2018), and was therefore a candidate for classification through an automated scoring system. Utilizing variant allele frequency, disease prevalence and penetrance estimates, and inheritance mode, an automated score was calculated to assess if this variant is too frequent to cause the disease. Based on the score and internal cut-off values, a variant classified as benign is not then subjected to further curation. The score for this variant resulted in a classification of benign for this disease.

GeneDx
Classification: Benign. Last evaluated: 2017-03-06. Review status: criteria provided, single submitter. Criteria: GeneDx Variant Classification (06012015). Collection method: clinical testing. Allele origin: germline. Affected: yes.
Comment: This variant is considered likely benign or benign based on one or more of the following criteria: it is a conservative change, it occurs at a poorly conserved position in the protein, it is predicted to be benign by multiple in silico algorithms, and/or has population frequency not consistent with disease.

Breakthrough Genomics
Classification: Benign. Review status: criteria provided, single submitter. Criteria: ACMG Guidelines, 2015. Collection method: not provided. Allele origin: germline. Inheritance: Autosomal dominant inheritance. Affected: yes.

PreventionGenetics, part of Exact Sciences
Classification: Benign. Review status: criteria provided, single submitter. Criteria: ACMG Guidelines, 2015. Collection method: clinical testing. Allele origin: germline.

Literature cited by the submitters: PubMed 21866090 (cited by Mayo Clinic Laboratories, Mayo Clinic and Athena Diagnostics).